The following is an entry in ClinVar:

NM_053274.3(GLMN):c.1206_1209del (p.Phe404fs)

Gene: GLMN (glomulin, FKBP associated protein; minus strand). Cytogenetic location: 1p22.1.
Variant type: Deletion.
Coding change: c.1206_1209del on transcript NM_053274.3 (MANE Select); coding-DNA positions 1206 to 1209, 4 bases deleted (ATTA; older notation c.1206_1209delATTA).
Protein change: p.Phe404fs; shifts the reading frame from phenylalanine 404.
Molecular consequence: frameshift variant. On other transcripts: non-coding transcript variant (1).
Genome position (GRCh38, 1-based): chr1:92,266,424-92,266,427, TAAT deleted on the plus strand (ATTA on the coding strand, the reverse complement: GLMN is on the minus strand). VCF-style (leftmost placement, unchanged base first): chr1-92266423-ATAAT-A. GRCh37 (hg19) VCF-style: chr1-92731980-ATAAT-A.
Other names: p.Phe404Glyfs*4; c.1164_1167del, p.Phe390fs (NM_001319683.2); short protein forms F390fs, F404fs.
Identifiers: ClinVar variation 4541299 (VCV004541299.1).

ClinVar aggregate classification (germline): Likely pathogenic (1 of 4 stars; one submission).

Submission:

Mayo Clinic Laboratories, Mayo Clinic
Classification: Likely pathogenic. Last evaluated: 2025-05-14. Review status: criteria provided, single submitter. Criteria: ACMG Guidelines, 2015. Collection method: clinical testing. Allele origin: germline. Observed: 1 variant allele.
Comment: PM2_supporting, PVS1